The following is an entry in ClinVar:

NM_006180.6(NTRK2):c.1019C>T (p.Thr340Met)

Gene: NTRK2 (neurotrophic receptor tyrosine kinase 2; plus strand). Cytogenetic location: 9q21.33.
Variant type: single nucleotide variant.
Coding change: c.1019C>T on transcript NM_006180.6 (MANE Select); coding-DNA position 1019, C replaced by T.
Protein change: p.Thr340Met; replaces threonine 340 with methionine.
Molecular consequence: missense variant.
Genome position (GRCh38, 1-based): chr9:84,727,819, C>T. VCF-style: chr9-84727819-C-T. GRCh37 (hg19) VCF-style: chr9-87342734-C-T.
Other names: c.1019C>T, p.Thr340Met (NM_001007097.3, NM_001018064.3, NM_001369538.1 and 16 more transcripts); c.980C>T, p.Thr327Met (NM_001369546.1, NM_001291937.2); c.551C>T, p.Thr184Met (NM_001369535.1, NM_001369536.1, NM_001369550.1 and 2 more transcripts); c.1019C>T (NM_006180.4); short protein forms T340M, T184M, T327M.
Identifiers: ClinVar variation 1405741 (VCV001405741.9), dbSNP rs2062568059, ClinGen allele CA374008721.

ClinVar aggregate classification (germline): Uncertain significance. Review status: criteria provided, multiple submitters, no conflicts (2 of 4 stars). 2 submissions from 2 submitters: Uncertain significance (2). Last evaluated 2026-09-09.

Conditions:
NTRK2-related disorder. Also called: NTRK2-related condition.

Allele frequency attached by ClinVar (database versions not stated): gnomAD exomes below 0.00001.

Submissions (2):

PreventionGenetics, part of Exact Sciences
Classification: Uncertain significance for NTRK2-related condition. Last evaluated: 2026-09-09. Review status: criteria provided, single submitter. Criteria: ACMG Guidelines, 2015. Collection method: clinical testing. Allele origin: germline.
Comment: The NTRK2 c.1019C>T variant is predicted to result in the amino acid substitution p.Thr340Met. To our knowledge, this variant has not been reported in the literature or in a large population database (gnomAD), indicating this variant is rare. At this time, the clinical significance of this variant is uncertain due to the absence of conclusive functional and genetic evidence.

Labcorp Genetics (formerly Invitae), Labcorp
Classification: Uncertain significance. Last evaluated: 2025-06-02. Review status: criteria provided, single submitter. Criteria: Invitae Variant Classification Sherloc (09022015). Collection method: clinical testing. Allele origin: germline.
Comment: This sequence change replaces threonine, which is neutral and polar, with methionine, which is neutral and non-polar, at codon 340 of the NTRK2 protein (p.Thr340Met). This variant is not present in population databases (gnomAD no frequency). This variant has not been reported in the literature in individuals affected with NTRK2-related conditions. ClinVar contains an entry for this variant (Variation ID: 1405741). Invitae Evidence Modeling of protein sequence and biophysical properties (such as structural, functional, and spatial information, amino acid conservation, physicochemical variation, residue mobility, and thermodynamic stability) indicates that this missense variant is not expected to disrupt NTRK2 protein function with a negative predictive value of 80%. In summary, the available evidence is currently insufficient to determine the role of this variant in disease. Therefore, it has been classified as a Variant of Uncertain Significance.